The following is an entry in ClinVar:

ClinVar aggregate classification (germline): Uncertain significance (1 of 4 stars; one submission).

Conditions:
Hyperaldosteronism, familial, type IV (HALD4). Also called: FH IV; ALDOSTERONISM, PRIMARY, AND HYPERTENSION. Identifiers: Orphanet 642671, MedGen C4310756, MONDO:0014875, OMIM 617027.
Idiopathic generalized epilepsy. Also called: Generalised epilepsy; EIG. Identifiers: MedGen C0270850, MONDO:0005579, OMIM 600669.

Allele frequency attached by ClinVar (database versions not stated): gnomAD exomes 0.00001.

Submission:

Labcorp Genetics (formerly Invitae), Labcorp
Classification: Uncertain significance for Idiopathic generalized epilepsy; Hyperaldosteronism, familial, type IV. Last evaluated: 2021-03-25. Review status: criteria provided, single submitter. Criteria: Invitae Variant Classification Sherloc (09022015). Collection method: clinical testing. Allele origin: germline.
Comment: This sequence change replaces threonine with asparagine at codon 1061 of the CACNA1H protein (p.Thr1061Asn). The threonine residue is highly conserved and there is a small physicochemical difference between threonine and asparagine. This variant is not present in population databases (ExAC no frequency). This variant has not been reported in the literature in individuals with CACNA1H-related conditions. Algorithms developed to predict the effect of missense changes on protein structure and function are either unavailable or do not agree on the potential impact of this missense change (SIFT: "Deleterious"; PolyPhen-2: "Possibly Damaging"; Align-GVGD: "Class C0"). In summary, the available evidence is currently insufficient to determine the role of this variant in disease. Therefore, it has been classified as a Variant of Uncertain Significance.

NM_021098.3(CACNA1H):c.3182C>A (p.Thr1061Asn)

Gene: CACNA1H (calcium voltage-gated channel subunit alpha1 H; plus strand). Cytogenetic location: 16p13.3.
Variant type: single nucleotide variant.
Coding change: c.3182C>A on transcript NM_021098.3 (MANE Select); coding-DNA position 3182, C replaced by A.
Protein change: p.Thr1061Asn; replaces threonine 1061 with asparagine.
Molecular consequence: missense variant.
Genome position (GRCh38, 1-based): chr16:1,208,040, C>A. VCF-style: chr16-1208040-C-A. GRCh37 (hg19) VCF-style: chr16-1258040-C-A.
Other names: c.3182C>A, p.Thr1061Asn (NM_001005407.2); short protein forms T1061N.
Identifiers: ClinVar variation 1057008 (VCV001057008.9), dbSNP rs2141316062, ClinGen allele CA394171739.